The following is an entry in ClinVar:

ClinVar aggregate classification (germline): Uncertain significance (1 of 4 stars; one submission).

Submission:

Women's Health and Genetics/Laboratory Corporation of America, LabCorp
Classification: Uncertain significance. Last evaluated: 2026-01-27. Review status: criteria provided, single submitter. Criteria: LabCorp Variant Classification Summary - May 2015. Collection method: clinical testing. Allele origin: germline.
Comment: Variant summary: The variant involves the duplication of exons 17-18 in the RBM28 gene. A presumed nomenclature of c.(1788+1_1789-1)_(2145+1_2146-1)dup has been designated for the purposes of this classification. It is assumed to be a tandem duplication in direct orientation (PMIDs: 25640679, 30054569). This Copy Number Variant (CNV) is predicted to result in an in-frame duplication within this gene. The variant was absent in 21686 control chromosomes. The available data on variant occurrences in the general population are insufficient to allow any conclusion about variant significance. To our knowledge, no occurrence of c.(1788+1_1789-1)_(2145+1_2146-1)dup in individuals affected with RBM28-related conditions and no experimental evidence demonstrating its impact on protein function have been reported. No submitters have cited clinical-significance assessments for this variant to ClinVar. Based on the evidence outlined above, the variant was classified as uncertain significance.

NC_000007.13:g.(127950985_127953227)_(127955074_127957711)dup

Gene: RBM28 (RNA binding motif protein 28; minus strand). Cytogenetic location: 7q32.1.
Variant type: Duplication.
Identifiers: ClinVar variation 4689333 (VCV004689333.1).